The following is an entry in ClinVar:

ClinVar aggregate classification (germline): Benign (0 of 4 stars; one submission).

Conditions:
ADPRS-related disorder. Also called: ADPRS-related condition.

Allele frequency attached by ClinVar (database versions not stated): gnomAD exomes 0.01111; ESP Exome Variant Server 0.02038; gnomAD 0.03077; ExAC 0.03101; TOPMed 0.03391; 1000 Genomes Project 30x 0.07292; 1000 Genomes Project 0.07368.

Submission:

PreventionGenetics, part of Exact Sciences
Classification: Benign for ADPRS-related condition. Last evaluated: 2019-03-20. Review status: no assertion criteria provided. Collection method: clinical testing. Allele origin: germline.
Comment: This variant is classified as benign based on ACMG/AMP sequence variant interpretation guidelines (Richards et al. 2015 PMID: 25741868, with internal and published modifications).

NM_017825.3(ADPRS):c.234C>T (p.Asp78=)

Gene: ADPRS (ADP-ribosylserine hydrolase; plus strand). Cytogenetic location: 1p34.3.
Variant type: single nucleotide variant.
Coding change: c.234C>T on transcript NM_017825.3 (MANE Select); coding-DNA position 234, C replaced by T.
Protein change: p.Asp78=; no amino-acid change (aspartic acid 78 retained).
Molecular consequence: synonymous variant.
Genome position (GRCh38, 1-based): chr1:36,091,266, C>T. VCF-style: chr1-36091266-C-T. GRCh37 (hg19) VCF-style: chr1-36556867-C-T.
Identifiers: ClinVar variation 3058872 (VCV003058872.2), dbSNP rs768000, ClinGen allele CA764520.
Genomic context (GRCh38, chr1:36,091,266, plus strand): 5'-TGAGCAGGAGGCTCTCATCCTCCCTCCTCTCCCCACAGAAGCCTTGTACTACACAGATGA[C>T]ACAGCCATGGCCAGGGCCCTGGTGCAGTCCCTGCTAGCCAAGGAGGCCTTTGACGAGGTG-3'
Protein context (NP_060295.1, residues 68-88): ERTEALYYTD[Asp78=]TAMARALVQS